The following is an entry in ClinVar:

ClinVar aggregate classification (germline): Uncertain significance (1 of 4 stars; one submission).

Allele frequency attached by ClinVar (database versions not stated): gnomAD exomes below 0.00001.
gnomAD v4.1: 3 of 1,614,166 alleles (0.00019%); highest among the groups gnomAD compares: Admixed American, 0.0033%; no homozygotes.

Submission:

Labcorp Genetics (formerly Invitae), Labcorp
Classification: Uncertain significance. Last evaluated: 2024-10-26. Review status: criteria provided, single submitter. Criteria: Invitae Variant Classification Sherloc (09022015). Collection method: clinical testing. Allele origin: germline.
Comment: This sequence change replaces histidine, which is basic and polar, with glutamine, which is neutral and polar, at codon 1631 of the LRP2 protein (p.His1631Gln). This variant is present in population databases (rs201775164, gnomAD 0.003%). This variant has not been reported in the literature in individuals affected with LRP2-related conditions. ClinVar contains an entry for this variant (Variation ID: 1970865). Invitae Evidence Modeling of protein sequence and biophysical properties (such as structural, functional, and spatial information, amino acid conservation, physicochemical variation, residue mobility, and thermodynamic stability) indicates that this missense variant is not expected to disrupt LRP2 protein function with a negative predictive value of 95%. In summary, the available evidence is currently insufficient to determine the role of this variant in disease. Therefore, it has been classified as a Variant of Uncertain Significance.

NM_004525.3(LRP2):c.4893T>G (p.His1631Gln)

Gene: LRP2 (LDL receptor related protein 2; minus strand). Cytogenetic location: 2q31.1.
Variant type: single nucleotide variant.
Coding change: c.4893T>G on transcript NM_004525.3 (MANE Select); coding-DNA position 4893, T replaced by G.
Protein change: p.His1631Gln; replaces histidine 1631 with glutamine.
Molecular consequence: missense variant.
Genome position (GRCh38, 1-based): chr2:169,235,867, A>C on the plus strand (T>G on the coding strand, the complement: LRP2 is on the minus strand). VCF-style: chr2-169235867-A-C. GRCh37 (hg19) VCF-style: chr2-170092377-A-C.
Other names: short protein forms H1631Q.
Identifiers: ClinVar variation 1970865 (VCV001970865.4), dbSNP rs201775164, ClinGen allele CA59911826.
Genomic context (GRCh38, chr2:169,235,867, plus strand): 5'-GTTTTAATTTGGTTTTCCTCACCACCAACTTACCAAATCACTGGCTATCACCTGTCTCCG[A>C]TGGTGTCCATTATAATCACAAAAGTCCATGTAATCAAGATAGGAGTCCATGAAGTAGAGC-3'
Protein context (NP_004516.2, residues 1621-1641): YMDFCDYNGH[His1631Gln]RRQVIASDLI